The following is an entry in ClinVar:

ClinVar aggregate classification (germline): Uncertain significance (1 of 4 stars; one submission).

Submission:

GeneDx
Classification: Uncertain significance. Last evaluated: 2024-04-15. Review status: criteria provided, single submitter. Criteria: GeneDx Variant Classification Process June 2021. Collection method: clinical testing. Allele origin: germline. Affected: yes.
Comment: Not observed at significant frequency in large population cohorts (gnomAD); Nonsense variant predicted to result in protein truncation or nonsense mediated decay in a gene for which loss-of-function is not an established mechanism of disease; Has not been previously published as pathogenic or benign to our knowledge

NM_205836.3(FBXO38):c.1895C>G (p.Ser632Ter)

Gene: FBXO38 (F-box protein 38; plus strand). Cytogenetic location: 5q32.
Variant type: single nucleotide variant.
Coding change: c.1895C>G on transcript NM_205836.3 (MANE Select); coding-DNA position 1895, C replaced by G.
Protein change: p.Ser632Ter; replaces serine 632 with a stop codon.
Molecular consequence: nonsense.
Genome position (GRCh38, 1-based): chr5:148,425,678, C>G. VCF-style: chr5-148425678-C-G. GRCh37 (hg19) VCF-style: chr5-147805241-C-G.
Other names: c.1895C>G, p.Ser632Ter (NM_001271723.2, NM_030793.5); short protein forms S632*.
Identifiers: ClinVar variation 3372121 (VCV003372121.1).